The following is an entry in ClinVar:

ClinVar aggregate classification (germline): Likely benign. Review status: criteria provided, multiple submitters, no conflicts (2 of 4 stars). 2 submissions from 2 submitters: Likely benign (2). Last evaluated 2025-10-27.

Conditions:
LRP2-related disorder. Also called: LRP2-related condition.

Allele frequency attached by ClinVar (database versions not stated): gnomAD 0.00003 and 0.00004; gnomAD exomes 0.00004; TOPMed 0.00004.
gnomAD v4.1: 28 of 1,613,506 alleles (0.0017%); highest among the groups gnomAD compares: Admixed American, 0.01%; no homozygotes.

Submissions (2):

Labcorp Genetics (formerly Invitae), Labcorp
Classification: Likely benign. Last evaluated: 2025-10-27. Review status: criteria provided, single submitter. Criteria: Invitae Variant Classification Sherloc (09022015). Collection method: clinical testing. Allele origin: germline.

PreventionGenetics, part of Exact Sciences
Classification: Likely benign for LRP2-related condition. Last evaluated: 2025-06-30. Review status: criteria provided, single submitter. Criteria: ACMG Guidelines, 2015. Collection method: clinical testing. Allele origin: germline.
Comment: This variant is classified as likely benign based on ACMG/AMP sequence variant interpretation guidelines (Richards et al. 2015 PMID: 25741868, with internal and published modifications).

NM_004525.3(LRP2):c.1992A>G (p.Lys664=)

Gene: LRP2 (LDL receptor related protein 2; minus strand). Cytogenetic location: 2q31.1.
Variant type: single nucleotide variant.
Coding change: c.1992A>G on transcript NM_004525.3 (MANE Select); coding-DNA position 1992, A replaced by G.
Protein change: p.Lys664=; no amino-acid change (lysine 664 retained).
Molecular consequence: synonymous variant.
Genome position (GRCh38, 1-based): chr2:169,273,051, T>C on the plus strand (A>G on the coding strand, the complement: LRP2 is on the minus strand). VCF-style: chr2-169273051-T-C. GRCh37 (hg19) VCF-style: chr2-170129561-T-C.
Other names: c.1992A>G (NM_004525.2).
Identifiers: ClinVar variation 1632196 (VCV001632196.9), dbSNP rs983302620, ClinGen allele CA59923951.
Genomic context (GRCh38, chr2:169,273,051, plus strand): 5'-ACCATCATTATCTGTTCTGTGGCTGAGGACACAGACCTGCTCACAGCCCCCATTGTTATC[T>C]TTACACGGATTGGTAGCTGGAAGGAAAAATGCACAGGGTTAAATTGCAATTAGAAATGTG-3'
Protein context (NP_004516.2, residues 654-674): LRQPYATNPC[Lys664=]DNNGGCEQVC